The following is an entry in ClinVar:

ClinVar aggregate classification (germline): Uncertain significance (1 of 4 stars; one submission).

Submission:

Ambry Genetics
Classification: Uncertain significance. Last evaluated: 2025-04-11. Review status: criteria provided, single submitter. Criteria: Ambry Variant Classification Scheme 2023. Collection method: clinical testing. Allele origin: germline.
Comment: The p.V322L variant (also known as c.964G>C), located in coding exon 10 of the KIF1B gene, results from a G to C substitution at nucleotide position 964. The valine at codon 322 is replaced by leucine, an amino acid with highly similar properties. This amino acid position is highly conserved in available vertebrate species. In addition, the in silico prediction for this alteration is inconclusive. The evidence for this gene-disease relationship is limited; therefore, the clinical significance of this alteration is unclear.

NM_001365951.3(KIF1B):c.982G>C (p.Val328Leu)

Gene: KIF1B (kinesin family member 1B; plus strand). Cytogenetic location: 1p36.22.
Variant type: single nucleotide variant.
Coding change: c.982G>C on transcript NM_001365951.3 (MANE Select); coding-DNA position 982, G replaced by C.
Protein change: p.Val328Leu; replaces valine 328 with leucine.
Molecular consequence: missense variant.
Genome position (GRCh38, 1-based): chr1:10,276,344, G>C. VCF-style: chr1-10276344-G-C. GRCh37 (hg19) VCF-style: chr1-10336402-G-C.
Other names: c.982G>C, p.Val328Leu (NM_001365952.1); c.964G>C, p.Val322Leu (NM_001365953.1, NM_015074.3, NM_183416.4); short protein forms V328L, V322L.
Identifiers: ClinVar variation 4043087 (VCV004043087.1).